The following is an entry in ClinVar:

ClinVar aggregate classification (germline): Pathogenic. Review status: criteria provided, multiple submitters, no conflicts (2 of 4 stars). 2 submissions from 2 submitters: Pathogenic (2). Last evaluated 2024-04-27.

Conditions:
Hereditary cancer-predisposing syndrome. Also called: Tumor predisposition; Hereditary Cancer Syndrome; Hereditary neoplastic syndrome; Neoplastic Syndromes, Hereditary. Identifiers: Orphanet 140162, MedGen C0027672, MeSH D009386, MONDO:0015356.
Hereditary nonpolyposis colorectal neoplasms. Identifiers: MedGen C0009405, MeSH D003123.

Submissions (2):

Labcorp Genetics (formerly Invitae), Labcorp
Classification: Pathogenic for Hereditary nonpolyposis colorectal neoplasms. Last evaluated: 2024-04-27. Review status: criteria provided, single submitter. Criteria: Invitae Variant Classification Sherloc (09022015). Collection method: clinical testing. Allele origin: germline.
Comment: This sequence change creates a premature translational stop signal (p.Arg287Lysfs*12) in the PMS2 gene. It is expected to result in an absent or disrupted protein product. Loss-of-function variants in PMS2 are known to be pathogenic (PMID: 21376568, 24362816). This variant is not present in population databases (gnomAD no frequency). This variant has not been reported in the literature in individuals affected with PMS2-related conditions. ClinVar contains an entry for this variant (Variation ID: 411027). For these reasons, this variant has been classified as Pathogenic.

Ambry Genetics
Classification: Pathogenic for Hereditary cancer-predisposing syndrome. Last evaluated: 2016-10-31. Review status: criteria provided, single submitter. Criteria: Ambry Variant Classification Scheme 2023. Collection method: clinical testing. Allele origin: germline.
Comment: The c.859dupA pathogenic mutation, located in coding exon 8 of the PMS2 gene, results from a duplication of A at nucleotide position 859, causing a translational frameshift with a predicted alternate stop codon (p.R287Kfs*12). This alteration is expected to result in loss of function by premature protein truncation or nonsense-mediated mRNA decay. As such, this alteration is interpreted as a disease-causing mutation.

Literature cited by the submitters: PubMed 21376568 (cited by Labcorp Genetics (formerly Invitae), Labcorp); PubMed 24362816 (cited by Labcorp Genetics (formerly Invitae), Labcorp).

NM_000535.7(PMS2):c.859dup (p.Arg287fs)

Gene: PMS2 (PMS1 homolog 2, mismatch repair system component; minus strand). Cytogenetic location: 7p22.1.
Variant type: Duplication.
Coding change: c.859dup on transcript NM_000535.7 (MANE Select); coding-DNA position 859, one base duplicated (A; older notation c.859dupA).
Protein change: p.Arg287fs; shifts the reading frame from arginine 287.
Molecular consequence: frameshift variant. On other transcripts: 5 prime UTR variant (2), non-coding transcript variant (1).
Genome position (GRCh38, 1-based): chr7:5,995,578, T duplicated on the plus strand (A on the coding strand, the reverse complement: PMS2 is on the minus strand). VCF-style (leftmost placement, unchanged base first): chr7-5995577-C-CT. GRCh37 (hg19) VCF-style: chr7-6035208-C-CT.
Other names: c.454dup, p.Arg152fs (NM_001322003.2, NM_001322004.2, NM_001322005.2 and 2 more transcripts); c.859dup, p.Arg287fs (NM_001322006.2, NM_001322014.2); c.541dup, p.Arg181fs (NM_001322007.2, NM_001322008.2); c.-75dup (NM_001322011.2, NM_001322012.2); c.286dup, p.Arg96fs (NM_001322013.2); c.550dup, p.Arg184fs (NM_001322015.2); short protein forms R181fs, R184fs, R96fs, R152fs, R287fs.
Identifiers: ClinVar variation 411027 (VCV000411027.10), dbSNP rs1554300763, ClinGen allele CA16612270.